The following is an entry in ClinVar:

ClinVar aggregate classification (germline): Uncertain significance. Review status: criteria provided, multiple submitters, no conflicts (2 of 4 stars). 3 submissions from 3 submitters: Uncertain significance (3). Last evaluated 2024-02-28.

Conditions:
Hereditary nonpolyposis colorectal neoplasms. Identifiers: MedGen C0009405, MeSH D003123.
Hereditary cancer-predisposing syndrome. Also called: Hereditary neoplastic syndrome; Neoplastic Syndromes, Hereditary; Tumor predisposition; Hereditary Cancer Syndrome. Identifiers: Orphanet 140162, MedGen C0027672, MeSH D009386, MONDO:0015356.
Lynch syndrome 4 (LYNCH4). Also called: Hereditary non-polyposis colorectal cancer, type 4; Colorectal cancer, hereditary nonpolyposis, type 4. Identifiers: Orphanet 144, MedGen C1838333, MONDO:0013699, OMIM 614337. Disease mechanism: loss of function.

Submissions (3):

Baylor Genetics
Classification: Uncertain significance for Lynch syndrome 4. Last evaluated: 2024-02-28. Review status: criteria provided, single submitter. Criteria: ACMG Guidelines, 2015. Collection method: clinical testing. Allele origin: unknown.

Labcorp Genetics (formerly Invitae), Labcorp
Classification: Uncertain significance for Hereditary nonpolyposis colorectal neoplasms. Last evaluated: 2023-04-19. Review status: criteria provided, single submitter. Criteria: Invitae Variant Classification Sherloc (09022015). Collection method: clinical testing. Allele origin: germline.
Comment: In summary, the available evidence is currently insufficient to determine the role of this variant in disease. Therefore, it has been classified as a Variant of Uncertain Significance. Advanced modeling of protein sequence and biophysical properties (such as structural, functional, and spatial information, amino acid conservation, physicochemical variation, residue mobility, and thermodynamic stability) performed at Invitae indicates that this missense variant is expected to disrupt PMS2 protein function. ClinVar contains an entry for this variant (Variation ID: 1003629). This variant has not been reported in the literature in individuals affected with PMS2-related conditions. This variant is not present in population databases (gnomAD no frequency). This sequence change replaces glutamine, which is neutral and polar, with arginine, which is basic and polar, at codon 288 of the PMS2 protein (p.Gln288Arg).

Ambry Genetics
Classification: Uncertain significance for Hereditary cancer-predisposing syndrome. Last evaluated: 2022-05-27. Review status: criteria provided, single submitter. Criteria: Ambry Variant Classification Scheme 2023. Collection method: clinical testing. Allele origin: germline.
Comment: The p.Q288R variant (also known as c.863A>G), located in coding exon 8 of the PMS2 gene, results from an A to G substitution at nucleotide position 863. The glutamine at codon 288 is replaced by arginine, an amino acid with highly similar properties. This amino acid position is highly conserved in available vertebrate species. In addition, this alteration is predicted to be deleterious by in silico analysis. Since supporting evidence is limited at this time, the clinical significance of this alteration remains unclear.

NM_000535.7(PMS2):c.863A>G (p.Gln288Arg)

Gene: PMS2 (PMS1 homolog 2, mismatch repair system component; minus strand). Cytogenetic location: 7p22.1.
Variant type: single nucleotide variant.
Coding change: c.863A>G on transcript NM_000535.7 (MANE Select); coding-DNA position 863, A replaced by G.
Protein change: p.Gln288Arg; replaces glutamine 288 with arginine.
Molecular consequence: missense variant. On other transcripts: 5 prime UTR variant (2), non-coding transcript variant (1).
Genome position (GRCh38, 1-based): chr7:5,995,574, T>C on the plus strand (A>G on the coding strand, the complement: PMS2 is on the minus strand). VCF-style: chr7-5995574-T-C. GRCh37 (hg19) VCF-style: chr7-6035205-T-C.
Other names: c.458A>G, p.Gln153Arg (NM_001322003.2, NM_001322004.2, NM_001322005.2 and 2 more transcripts); c.863A>G, p.Gln288Arg (NM_001322006.2, NM_001322014.2); c.545A>G, p.Gln182Arg (NM_001322007.2, NM_001322008.2); c.-71A>G (NM_001322011.2, NM_001322012.2); c.290A>G, p.Gln97Arg (NM_001322013.2); c.554A>G, p.Gln185Arg (NM_001322015.2); short protein forms Q153R, Q182R, Q185R, Q288R, Q97R.
Identifiers: ClinVar variation 1003629 (VCV001003629.12), dbSNP rs1784301984, ClinGen allele CA366743470.
Genomic context (GRCh38, chr7:5,995,574, plus strand): 5'-CACAAAAAAATTTTAAATACCTTTGCTGGGTCACAAGGCCGCCGGTTGATAAAGAAAAAC[T>C]GTCTGTCTGTTGAACTCCTTCCAACTCCATGCGTGCATTGTGAAATGAAACCTGAGATGC-3'
Protein context (NP_000526.2, residues 278-298): HGVGRSSTDR[Gln288Arg]FFFINRRPCD